The following is an entry in ClinVar:

ClinVar aggregate classification (germline): Uncertain significance. Review status: criteria provided, multiple submitters, no conflicts (2 of 4 stars). 2 submissions from 2 submitters: Uncertain significance (2). Last evaluated 2026-01-23.

Conditions:
Familial thoracic aortic aneurysm and aortic dissection (TAAD). Also called: Thoracic aortic aneurysms and dissections. Identifiers: Orphanet 91387, MedGen C4707243, MONDO:0019625.

Submissions (2):

GeneDx
Classification: Uncertain significance. Last evaluated: 2026-01-23. Review status: criteria provided, single submitter. Criteria: GeneDx Variant Classification Process June 2021. Collection method: clinical testing. Allele origin: germline.
Comment: Not observed at significant frequency in large population cohorts (gnomAD); In silico analysis supports that this missense variant has a deleterious effect on protein structure/function; Has not been previously published as pathogenic or benign to our knowledge

Ambry Genetics
Classification: Uncertain significance for Familial thoracic aortic aneurysm and aortic dissection. Last evaluated: 2024-06-03. Review status: criteria provided, single submitter. Criteria: Ambry Variant Classification Scheme 2023. Collection method: clinical testing. Allele origin: germline.

NM_017617.5(NOTCH1):c.5093A>T (p.Asp1698Val)

Gene: NOTCH1 (notch receptor 1; minus strand). Cytogenetic location: 9q34.3.
Variant type: single nucleotide variant.
Coding change: c.5093A>T on transcript NM_017617.5 (MANE Select); coding-DNA position 5093, A replaced by T.
Protein change: p.Asp1698Val; replaces aspartic acid 1698 with valine.
Molecular consequence: missense variant.
Genome position (GRCh38, 1-based): chr9:136,503,256, T>A on the plus strand (A>T on the coding strand, the complement: NOTCH1 is on the minus strand). VCF-style: chr9-136503256-T-A. GRCh37 (hg19) VCF-style: chr9-139397708-T-A.
Other names: short protein forms D1698V.
Identifiers: ClinVar variation 3300486 (VCV003300486.2).